The following is an entry in ClinVar:

ClinVar aggregate classification (germline): Uncertain significance. Review status: criteria provided, multiple submitters, no conflicts (2 of 4 stars). 2 submissions from 2 submitters: Uncertain significance (2). Last evaluated 2026-07-07.

Conditions:
Haddad syndrome (OHD). Also called: Ondine-Hirschsprung disease. Identifiers: Orphanet 99803, MedGen C1859049, MONDO:0020493.
Hereditary cancer-predisposing syndrome. Also called: Tumor predisposition; Hereditary Cancer Syndrome; Hereditary neoplastic syndrome; Neoplastic Syndromes, Hereditary. Identifiers: Orphanet 140162, MedGen C0027672, MeSH D009386, MONDO:0015356.

Submissions (2):

Ambry Genetics
Classification: Uncertain significance for Hereditary cancer-predisposing syndrome. Last evaluated: 2026-07-07. Review status: criteria provided, single submitter. Criteria: Ambry Variant Classification Scheme 2023. Collection method: clinical testing. Allele origin: germline.
Comment: The p.S55P variant (also known as c.163T>C), located in coding exon 1 of the PHOX2B gene, results from a T to C substitution at nucleotide position 163. The serine at codon 55 is replaced by proline, an amino acid with similar properties. This amino acid position is conserved. In addition, the in silico prediction for this alteration is inconclusive. Based on the available evidence, the clinical significance of this variant remains unclear.

Labcorp Genetics (formerly Invitae), Labcorp
Classification: Uncertain significance for Haddad syndrome. Last evaluated: 2020-07-23. Review status: criteria provided, single submitter. Criteria: Invitae Variant Classification Sherloc (09022015). Collection method: clinical testing. Allele origin: germline.
Comment: In summary, the available evidence is currently insufficient to determine the role of this variant in disease. Therefore, it has been classified as a Variant of Uncertain Significance. Algorithms developed to predict the effect of missense changes on protein structure and function are either unavailable or do not agree on the potential impact of this missense change (SIFT: "Deleterious"; PolyPhen-2: "Benign"; Align-GVGD: "Class C65"). This variant has not been reported in the literature in individuals with PHOX2B-related conditions. This variant is not present in population databases (ExAC no frequency). This sequence change replaces serine with proline at codon 55 of the PHOX2B protein (p.Ser55Pro). The serine residue is highly conserved and there is a moderate physicochemical difference between serine and proline.

NM_003924.4(PHOX2B):c.163T>C (p.Ser55Pro)

Genes: PHOX2B (paired like homeobox 2B; minus strand), PHOX2B-AS1 (PHOX2B antisense RNA 1; plus strand). Cytogenetic location: 4p13.
Variant type: single nucleotide variant.
Coding change: c.163T>C on transcript NM_003924.4 (MANE Select); coding-DNA position 163, T replaced by C.
Protein change: p.Ser55Pro; replaces serine 55 with proline.
Molecular consequence: missense variant.
Genome position (GRCh38, 1-based): chr4:41,748,448, A>G on the plus strand (T>C on the coding strand, the complement: PHOX2B is on the minus strand). VCF-style: chr4-41748448-A-G. GRCh37 (hg19) VCF-style: chr4-41750465-A-G.
Other names: c.163T>C (NM_003924.3); short protein forms S55P.
Identifiers: ClinVar variation 1005135 (VCV001005135.10), dbSNP rs1733982336, ClinGen allele CA356740945.